The following is an entry in ClinVar:

NM_003052.5(SLC34A1):c.1006+1G>A

Gene: SLC34A1 (solute carrier family 34 member 1; plus strand). Cytogenetic location: 5q35.3.
Variant type: single nucleotide variant.
Coding change: c.1006+1G>A on transcript NM_003052.5 (MANE Select); the canonical splice donor site of the intron after coding-DNA position 1006, G replaced by A.
Molecular consequence: splice donor variant.
Genome position (GRCh38, 1-based): chr5:177,393,764, G>A. VCF-style: chr5-177393764-G-A. GRCh37 (hg19) VCF-style: chr5-176820765-G-A.
Other names: IVS9, G-A, +1.
Identifiers: ClinVar variation 234928 (VCV000234928.23), dbSNP rs200095793, ClinGen allele CA3580594.

ClinVar aggregate classification (germline): Pathogenic/Likely pathogenic. Review status: criteria provided, multiple submitters, no conflicts (2 of 4 stars). 11 submissions from 11 submitters: Pathogenic (6); Likely pathogenic (2). 3 of the submissions do not count toward it. Last evaluated 2026-06-05.

Conditions:
SLC34A1-related disorder. Also called: SLC34A1-related disorders; SLC34A1-related condition.
Fanconi renotubular syndrome 2 (FRTS2). Identifiers: MedGen C3150652, MONDO:0013247, OMIM 613388.
Hypercalcemia, infantile, 2 (HCINF2). Identifiers: Orphanet 300547, MedGen C4310473, MONDO:0014851, OMIM 616963.

Allele frequency attached by ClinVar (database versions not stated): gnomAD 0.00001 and 0.00003.

Submissions (11):

PreventionGenetics, part of Exact Sciences
Classification: Pathogenic for SLC34A1-related condition. Last evaluated: 2026-06-05. Review status: criteria provided, single submitter. Criteria: ACMG Guidelines, 2015. Collection method: clinical testing. Allele origin: germline.
Comment: The SLC34A1 c.1006+1G>A variant is predicted to disrupt the GT donor site and interfere with normal splicing. This variant in the homozygous or compound heterozygous condition was reported in three individuals with autosomal recessive infantile hypercalcemia (Table S2, Schlingmann et al. 2016. PubMed ID: 26047794; Hureaux et al. 2018. PubMed ID: 29959532). In the heterozygous condition, this variant was reported in two individuals with familial nephrolithiasis (Table 1, Amar et al. 2019. PubMed ID: 30778725).  This variant is reported in 0.026% of alleles in individuals of South Asian descent in gnomAD. Variants that disrupt the consensus splice donor site in SLC34A1 are expected to be pathogenic. This variant is interpreted as pathogenic.

Wales Gene Park, Division Of Cancer and Genetics, Cardiff University
Classification: Pathogenic for Hypercalcemia, infantile, 2. Last evaluated: 2026-04-28. Review status: criteria provided, single submitter. Criteria: ACGS Best Practice Guidelines for Variant Classification in Rare Disease 2024. Collection method: research. Allele origin: paternal. Inheritance: Autosomal recessive inheritance. Study: 100,000 Genomes Project (Wales).
Comment: Inherited SLC34A1 splice site variant detected by trio genome sequencing. Low frequency in gnomAD (v4.1.1). This variant has previously been reported in trans to pathogenic variants in the literature. No second pathogenic variant was detected. Evidence codes: PVS1, PM2, PM3.

Labcorp Genetics (formerly Invitae), Labcorp
Classification: Likely pathogenic. Last evaluated: 2025-07-21. Review status: criteria provided, single submitter. Criteria: Invitae Variant Classification Sherloc (09022015). Collection method: clinical testing. Allele origin: germline.
Comment: This sequence change affects a donor splice site in intron 9 of the SLC34A1 gene. It is expected to disrupt RNA splicing. Variants that disrupt the donor or acceptor splice site typically lead to a loss of protein function (PMID: 16199547), and loss-of-function variants in SLC34A1 are known to be pathogenic (PMID: 26047794). This variant is present in population databases (rs200095793, gnomAD 0.03%). Disruption of this splice site has been observed in individual(s) with autosomal recessive hypercalcemia and/or clinical features of SLC34A1-related conditions (PMID: 26047794, 39461557). ClinVar contains an entry for this variant (Variation ID: 234928). Algorithms developed to predict the effect of sequence changes on RNA splicing suggest that this variant may disrupt the consensus splice site. In summary, the currently available evidence indicates that the variant is pathogenic, but additional data are needed to prove that conclusively. Therefore, this variant has been classified as Likely Pathogenic.

Women's Health and Genetics/Laboratory Corporation of America, LabCorp
Classification: Pathogenic for SLC34A1-Related Disorders. Last evaluated: 2025-06-12. Review status: criteria provided, single submitter. Criteria: LabCorp Variant Classification Summary - May 2015. Collection method: clinical testing. Allele origin: germline.
Comment: Variant summary: SLC34A1 c.1006+1G>A is located in a canonical splice-site and is predicted to affect mRNA splicing resulting in a significantly altered protein due to either exon skipping, shortening, or inclusion of intronic material. Variants that disrupt the consensus splice site are a relatively common cause of aberrant splicing and loss of SLC34A1 function. Several computational tools predict a significant impact on normal splicing: All four predict the variant abolishes a 5' splicing donor site. However, these predictions have yet to be confirmed by functional studies. The variant allele was found at a frequency of 6.4e-05 in 251344 control chromosomes. This frequency is not significantly higher than estimated for a pathogenic variant in SLC34A1 causing SLC34A1-Related Disorders, allowing no conclusion about variant significance. c.1006+1G>A has been observed in homozygous and compound heterozygous individuals affected with SLC34A1-Related Disorders (Schlingmann_2016, Brunkhorst_2025). These data indicate that the variant is very likely to be associated with disease. To our knowledge, no experimental evidence demonstrating an impact on protein function has been reported. The following publications have been ascertained in the context of this evaluation (PMID: 30778725, 39461557, 29959532, 26047794). ClinVar contains an entry for this variant (Variation ID: 234928). Based on the evidence outlined above, the variant was classified as pathogenic.

First Genomix Gene Laboratory, Genetic Diagnostics Department
Classification: Pathogenic for Fanconi renotubular syndrome 2; Hypercalcemia, infantile, 2. Last evaluated: 2025-01-14. Review status: criteria provided, single submitter. Criteria: ACMG Guidelines, 2015. Collection method: clinical testing. Allele origin: germline. Inheritance: Autosomal recessive inheritance. Affected: no. Observed: 1 variant allele.

GeneDx
Classification: Pathogenic. Last evaluated: 2025-01-02. Review status: criteria provided, single submitter. Criteria: GeneDx Variant Classification Process June 2021. Collection method: clinical testing. Allele origin: germline. Affected: yes.
Comment: Canonical splice site variant predicted to result in a null allele in a gene for which loss of function is a known mechanism of disease; This variant is associated with the following publications: (PMID: 26047794, 29959532, 34426522, 34721296, 30778725)

Blueprint Genetics
Classification: Pathogenic for SLC34A1-related disorders. Last evaluated: 2024-11-25. Review status: criteria provided, single submitter. Criteria: ACMG Guidelines, 2015. Collection method: clinical testing. Allele origin: germline. Affected: yes. Observed: 5 variant alleles.

Genomic Medicine Center of Excellence, King Faisal Specialist Hospital and Research Centre
Classification: Likely pathogenic for Hypercalcemia, infantile, 2. Last evaluated: 2024-03-29. Review status: criteria provided, single submitter. Criteria: ACMG Guidelines, 2015. Collection method: clinical testing. Allele origin: germline.

OMIM
Classification: Pathogenic for HYPERCALCEMIA, INFANTILE, 2. Last evaluated: 2016-10-06. Review status: no assertion criteria provided. Collection method: literature only. Allele origin: germline. Not counted in ClinVar's aggregate classification.

Genome Diagnostics Laboratory, University Medical Center Utrecht
Classification: Pathogenic. Review status: no assertion criteria provided. Collection method: clinical testing. Allele origin: germline. Affected: yes. Study: VKGL Data-share Consensus. Not counted in ClinVar's aggregate classification.

Joint Genome Diagnostic Labs from Nijmegen and Maastricht, Radboudumc and MUMC+
Classification: Pathogenic. Review status: no assertion criteria provided. Collection method: clinical testing. Allele origin: germline. Affected: yes. Study: VKGL Data-share Consensus. Not counted in ClinVar's aggregate classification.

Literature cited by the submitters: PubMed 26047794 (cited by 4 submitters); PubMed 39461557 (cited by 3 submitters); PubMed 16199547 (cited by Labcorp Genetics (formerly Invitae), Labcorp); PubMed 30778725 (cited by Women's Health and Genetics/Laboratory Corporation of America, LabCorp); PubMed 29959532 (cited by Women's Health and Genetics/Laboratory Corporation of America, LabCorp).